The following is an entry in ClinVar:

ClinVar aggregate classification (germline): Uncertain significance. Review status: criteria provided, multiple submitters, no conflicts (2 of 4 stars). 4 submissions from 4 submitters: Uncertain significance (3). 1 of the submissions does not count toward it. Last evaluated 2022-08-20.

Conditions:
Cohen syndrome (COH1). Also called: Cutis verticis gyrata, retinitis pigmentosa, and sensorineural deafness; PEPPER SYNDROME. Identifiers: Orphanet 193, MedGen C0265223, MONDO:0008999, OMIM 216550.

Allele frequency attached by ClinVar (database versions not stated): gnomAD exomes 0.00002 and 0.00006; ExAC 0.00003; gnomAD 0.00005; TOPMed 0.00006.
gnomAD v4.1: 45 of 1,613,520 alleles (0.0028%); highest among the groups gnomAD compares: Non-Finnish European, 0.00042%; no homozygotes.

Submissions (4):

Labcorp Genetics (formerly Invitae), Labcorp
Classification: Uncertain significance for Cohen syndrome. Last evaluated: 2022-08-20. Review status: criteria provided, single submitter. Criteria: Invitae Variant Classification Sherloc (09022015). Collection method: clinical testing. Allele origin: germline.
Comment: This sequence change replaces serine, which is neutral and polar, with phenylalanine, which is neutral and non-polar, at codon 1710 of the VPS13B protein (p.Ser1710Phe). This variant is present in population databases (rs763052877, gnomAD 0.1%). This variant has not been reported in the literature in individuals affected with VPS13B-related conditions. ClinVar contains an entry for this variant (Variation ID: 909331). Algorithms developed to predict the effect of missense changes on protein structure and function are either unavailable or do not agree on the potential impact of this missense change (SIFT: "Not Available"; PolyPhen-2: "Probably Damaging"; Align-GVGD: "Not Available"). In summary, the available evidence is currently insufficient to determine the role of this variant in disease. Therefore, it has been classified as a Variant of Uncertain Significance.

GeneDx
Classification: Uncertain significance. Last evaluated: 2019-05-21. Review status: criteria provided, single submitter. Criteria: GeneDx Variant Classification Process June 2021. Collection method: clinical testing. Allele origin: germline. Affected: yes.
Comment: In silico analysis, which includes protein predictors and evolutionary conservation, supports that this variant does not alter protein structure/function; Has not been previously published as pathogenic or benign to our knowledge

Illumina Laboratory Services, Illumina
Classification: Uncertain significance for Cohen syndrome. Last evaluated: 2018-01-13. Review status: criteria provided, single submitter. Criteria: ICSL Variant Classification Criteria 13 December 2019. Collection method: clinical testing. Allele origin: germline.

Natera, Inc.
Classification: Uncertain significance for Cohen syndrome. Last evaluated: 2020-02-21. Review status: no assertion criteria provided. Collection method: clinical testing. Allele origin: germline. Not counted in ClinVar's aggregate classification.

NM_152564.5(VPS13B):c.5054C>T (p.Ser1685Phe)

Gene: VPS13B (vacuolar protein sorting 13 homolog B; plus strand). Cytogenetic location: 8q22.2.
Variant type: single nucleotide variant.
Coding change: c.5054C>T on transcript NM_152564.5 (MANE Select); coding-DNA position 5054, C replaced by T.
Protein change: p.Ser1685Phe; replaces serine 1685 with phenylalanine.
Molecular consequence: missense variant.
Genome position (GRCh38, 1-based): chr8:99,575,762, C>T. VCF-style: chr8-99575762-C-T. GRCh37 (hg19) VCF-style: chr8-100587990-C-T.
Other names: c.5129C>T, p.Ser1710Phe (NM_017890.5); short protein forms S1685F, S1710F.
Identifiers: ClinVar variation 909331 (VCV000909331.12), dbSNP rs763052877, ClinGen allele CA4823723.